The following is an entry in ClinVar:

NM_006080.3(SEMA3A):c.1740T>C (p.Pro580=)

Gene: SEMA3A (semaphorin 3A; minus strand). Cytogenetic location: 7q21.11.
Variant type: single nucleotide variant.
Coding change: c.1740T>C on transcript NM_006080.3 (MANE Select); coding-DNA position 1740, T replaced by C.
Protein change: p.Pro580=; no amino-acid change (proline 580 retained).
Molecular consequence: synonymous variant.
Genome position (GRCh38, 1-based): chr7:83,963,325, A>G on the plus strand (T>C on the coding strand, the complement: SEMA3A is on the minus strand). VCF-style: chr7-83963325-A-G. GRCh37 (hg19) VCF-style: chr7-83592641-A-G.
Identifiers: ClinVar variation 4985420 (VCV004985420.1).

ClinVar aggregate classification (germline): Likely benign (1 of 4 stars; one submission).

Conditions:
SEMA3A-related disorder. Also called: SEMA3A-related condition.

gnomAD v4.1: 1 of 1,613,414 alleles (0.000062%); highest among the groups gnomAD compares: Admixed American, 0.0017%; no homozygotes.

Submission:

PreventionGenetics, part of Exact Sciences
Classification: Likely benign for SEMA3A-related condition. Last evaluated: 2025-06-10. Review status: criteria provided, single submitter. Criteria: ACMG Guidelines, 2015. Collection method: clinical testing. Allele origin: germline.
Comment: This variant is classified as likely benign based on ACMG/AMP sequence variant interpretation guidelines (Richards et al. 2015 PMID: 25741868, with internal and published modifications).